The following is an entry in ClinVar:

ClinVar aggregate classification (germline): Uncertain significance (1 of 4 stars; one submission).

Conditions:
Cardiovascular phenotype. Identifiers: MedGen CN230736.

gnomAD v4.1: 3 of 1,549,148 alleles (0.00019%); highest among the groups gnomAD compares: Non-Finnish European, 0.00026%; no homozygotes.

Submission:

Ambry Genetics
Classification: Uncertain significance for Cardiovascular phenotype. Last evaluated: 2023-07-06. Review status: criteria provided, single submitter. Criteria: Ambry Variant Classification Scheme 2023. Collection method: clinical testing. Allele origin: germline.
Comment: The p.D40V variant (also known as c.119A>T), located in coding exon 1 of the ALMS1 gene, results from an A to T substitution at nucleotide position 119. The aspartic acid at codon 40 is replaced by valine, an amino acid with highly dissimilar properties. In addition, this alteration is predicted to be tolerated by in silico analysis. Since supporting evidence is limited at this time, the clinical significance of this alteration remains unclear.

NM_001378454.1(ALMS1):c.116A>T (p.Asp39Val)

Gene: ALMS1 (ALMS1 centrosome and basal body associated protein; plus strand). Cytogenetic location: 2p13.1.
Variant type: single nucleotide variant.
Coding change: c.116A>T on transcript NM_001378454.1 (MANE Select); coding-DNA position 116, A replaced by T.
Protein change: p.Asp39Val; replaces aspartic acid 39 with valine.
Molecular consequence: missense variant.
Genome position (GRCh38, 1-based): chr2:73,385,984, A>T. VCF-style: chr2-73385984-A-T. GRCh37 (hg19) VCF-style: chr2-73613112-A-T.
Other names: c.119A>T, p.Asp40Val (NM_015120.4); short protein forms D39V, D40V.
Identifiers: ClinVar variation 2626184 (VCV002626184.2), dbSNP rs1334797627, ClinGen allele CA347250641.